The following is an entry in ClinVar:

ClinVar aggregate classification (germline): Uncertain significance. Review status: criteria provided, multiple submitters, no conflicts (2 of 4 stars). 2 submissions from 2 submitters: Uncertain significance (2). Last evaluated 2025-04-09.

gnomAD v4.1: 19 of 1,579,738 alleles (0.0012%); highest among the groups gnomAD compares: African/African-American, 0.02%; no homozygotes.

Submissions (2):

Ambry Genetics
Classification: Uncertain significance. Last evaluated: 2025-04-09. Review status: criteria provided, single submitter. Criteria: Ambry Variant Classification Scheme 2023. Collection method: clinical testing. Allele origin: germline.

Labcorp Genetics (formerly Invitae), Labcorp
Classification: Uncertain significance. Last evaluated: 2025-01-29. Review status: criteria provided, single submitter. Criteria: Invitae Variant Classification Sherloc (09022015). Collection method: clinical testing. Allele origin: germline.
Comment: This sequence change replaces glutamic acid, which is acidic and polar, with aspartic acid, which is acidic and polar, at codon 321 of the MCM5 protein (p.Glu321Asp). This variant is present in population databases (rs139761379, gnomAD 0.02%). This variant has not been reported in the literature in individuals affected with MCM5-related conditions. Invitae Evidence Modeling of protein sequence and biophysical properties (such as structural, functional, and spatial information, amino acid conservation, physicochemical variation, residue mobility, and thermodynamic stability) indicates that this missense variant is not expected to disrupt MCM5 protein function with a negative predictive value of 80%. In summary, the available evidence is currently insufficient to determine the role of this variant in disease. Therefore, it has been classified as a Variant of Uncertain Significance.

NM_006739.4(MCM5):c.963G>T (p.Glu321Asp)

Gene: MCM5 (minichromosome maintenance complex component 5; plus strand). Cytogenetic location: 22q12.3.
Variant type: single nucleotide variant.
Coding change: c.963G>T on transcript NM_006739.4 (MANE Select); coding-DNA position 963, G replaced by T.
Protein change: p.Glu321Asp; replaces glutamic acid 321 with aspartic acid.
Molecular consequence: missense variant.
Genome position (GRCh38, 1-based): chr22:35,412,553, G>T. VCF-style: chr22-35412553-G-T. GRCh37 (hg19) VCF-style: chr22-35808546-G-T.
Other names: c.963G>T (NM_006739.3); short protein forms E321D.
Identifiers: ClinVar variation 3719504 (VCV003719504.3).